The following is an entry in ClinVar:

ClinVar aggregate classification (germline): Uncertain significance (1 of 4 stars; one submission).

Conditions:
Cornelia de Lange syndrome 1 (CDLS1). Also called: TYPUS DEGENERATIVUS AMSTELODAMENSIS; Brachmann de Lange syndrome; NIPBL-Related Cornelia de Lange Syndrome. Identifiers: Orphanet 199, MedGen C4551851, MONDO:0007387, OMIM 122470.

Allele frequency attached by ClinVar (database versions not stated): TOPMed below 0.00001.

Submission:

Labcorp Genetics (formerly Invitae), Labcorp
Classification: Uncertain significance for Cornelia de Lange syndrome 1. Last evaluated: 2024-10-17. Review status: criteria provided, single submitter. Criteria: Invitae Variant Classification Sherloc (09022015). Collection method: clinical testing. Allele origin: germline.
Comment: This sequence change replaces threonine, which is neutral and polar, with proline, which is neutral and non-polar, at codon 1259 of the NIPBL protein (p.Thr1259Pro). The frequency data for this variant in the population databases is considered unreliable, as metrics indicate poor data quality at this position in the gnomAD database. This variant has not been reported in the literature in individuals affected with NIPBL-related conditions. ClinVar contains an entry for this variant (Variation ID: 1713324). Invitae Evidence Modeling of protein sequence and biophysical properties (such as structural, functional, and spatial information, amino acid conservation, physicochemical variation, residue mobility, and thermodynamic stability) indicates that this missense variant is not expected to disrupt NIPBL protein function with a negative predictive value of 95%. In summary, the available evidence is currently insufficient to determine the role of this variant in disease. Therefore, it has been classified as a Variant of Uncertain Significance.

NM_133433.4(NIPBL):c.3775A>C (p.Thr1259Pro)

Gene: NIPBL (NIPBL cohesin loading factor; plus strand). Cytogenetic location: 5p13.2.
Variant type: single nucleotide variant.
Coding change: c.3775A>C on transcript NM_133433.4 (MANE Select); coding-DNA position 3775, A replaced by C.
Protein change: p.Thr1259Pro; replaces threonine 1259 with proline.
Molecular consequence: missense variant.
Genome position (GRCh38, 1-based): chr5:37,003,267, A>C. VCF-style: chr5-37003267-A-C. GRCh37 (hg19) VCF-style: chr5-37003369-A-C.
Other names: c.3775A>C, p.Thr1259Pro (NM_015384.5); short protein forms T1259P.
Identifiers: ClinVar variation 1713324 (VCV001713324.5), dbSNP rs1181219284, ClinGen allele CA359521704.